The following is an entry in ClinVar:

ClinVar aggregate classification (germline): Pathogenic (1 of 4 stars; one submission).

Submission:

GeneDx
Classification: Pathogenic. Last evaluated: 2018-06-12. Review status: criteria provided, single submitter. Criteria: GeneDx Variant Classification (06012015). Collection method: clinical testing. Allele origin: germline. Affected: yes.
Comment: The c.6018dupA pathogenic variant in the CHD7 gene has been reported previously in association with CHARGE syndrome, but with limited traceable clinical information (Bergman et al., 2011). This variant is not observed in large population cohorts (Lek et al., 2016). The duplication causes a frameshift starting with codon Serine 2007, changes this amino acid to an Isoleucine residue and creates a premature Stop codon at position 2 of the new reading frame, denoted p.Ser2007IlefsX2. This pathogenic variant is predicted to cause loss of normal protein function either through protein truncation or nonsense-mediated mRNA decay.

NM_017780.4(CHD7):c.6018dup (p.Ser2007fs)

Gene: CHD7 (chromodomain helicase DNA binding protein 7; plus strand). Cytogenetic location: 8q12.2.
Variant type: Duplication.
Coding change: c.6018dup on transcript NM_017780.4 (MANE Select); coding-DNA position 6018, one base duplicated (A; older notation c.6018dupA).
Protein change: p.Ser2007fs; shifts the reading frame from serine 2007.
Molecular consequence: frameshift variant. On other transcripts: intron variant (1).
Genome position (GRCh38, 1-based): chr8:60,852,621, A duplicated; the last of 6 consecutive A bases (chr8:60,852,616-60,852,621); duplicating any one gives the same sequence. VCF-style (leftmost placement, unchanged base first): chr8-60852615-C-CA. GRCh37 (hg19) VCF-style: chr8-61765174-C-CA.
Other names: c.1717-9608dup (NM_001316690.1); short protein forms S2007fs.
Identifiers: ClinVar variation 817591 (VCV000817591.1), dbSNP rs1586444636, ClinGen allele CA915945703.
Genomic context (GRCh38, chr8:60,852,615, plus strand): 5'-TTTTGACCCTGTGAAACAGCAATTTGACTGGAACCAATTTAGAGCCTTTGCCAGGCTTGA[C>CA]AAAAAATCTGATGAGAGTTTGGAGAAATACTTCAGTTGTTTTGTGGCCATGTGTAGGCGA-3'